The following is an entry in ClinVar:

NM_033305.3(VPS13A):c.1829A>T (p.Glu610Val)

Gene: VPS13A (vacuolar protein sorting 13 homolog A; plus strand). Cytogenetic location: 9q21.2.
Variant type: single nucleotide variant.
Coding change: c.1829A>T on transcript NM_033305.3 (MANE Select); coding-DNA position 1829, A replaced by T.
Protein change: p.Glu610Val; replaces glutamic acid 610 with valine.
Molecular consequence: missense variant.
Genome position (GRCh38, 1-based): chr9:77,238,315, A>T. VCF-style: chr9-77238315-A-T. GRCh37 (hg19) VCF-style: chr9-79853231-A-T.
Other names: c.1829A>T, p.Glu610Val (NM_001018037.2, NM_001018038.3, NM_015186.4); short protein forms E610V.
Identifiers: ClinVar variation 2162478 (VCV002162478.1), dbSNP rs1248535974, ClinGen allele CA373847915.

ClinVar aggregate classification (germline): Uncertain significance (1 of 4 stars; one submission).

Allele frequency attached by ClinVar (database versions not stated): TOPMed below 0.00001; gnomAD exomes 0.00001.
gnomAD v4.1: 4 of 1,614,054 alleles (0.00025%); highest among the groups gnomAD compares: Admixed American, 0.0067%; no homozygotes.

Submission:

Labcorp Genetics (formerly Invitae), Labcorp
Classification: Uncertain significance. Last evaluated: 2022-09-06. Review status: criteria provided, single submitter. Criteria: Invitae Variant Classification Sherloc (09022015). Collection method: clinical testing. Allele origin: germline.
Comment: This sequence change replaces glutamic acid, which is acidic and polar, with valine, which is neutral and non-polar, at codon 610 of the VPS13A protein (p.Glu610Val). This variant is present in population databases (no rsID available, gnomAD 0.01%). This variant has not been reported in the literature in individuals affected with VPS13A-related conditions. Algorithms developed to predict the effect of missense changes on protein structure and function are either unavailable or do not agree on the potential impact of this missense change (SIFT: "Deleterious"; PolyPhen-2: "Benign"; Align-GVGD: "Class C0"). In summary, the available evidence is currently insufficient to determine the role of this variant in disease. Therefore, it has been classified as a Variant of Uncertain Significance.